The following is an entry in ClinVar:

ClinVar aggregate classification (germline): Uncertain significance. Review status: criteria provided, multiple submitters, no conflicts (2 of 4 stars). 3 submissions from 3 submitters: Uncertain significance (3). Last evaluated 2024-12-18.

Conditions:
Inborn genetic diseases. Identifiers: MedGen C0950123, MeSH D030342.
Vici syndrome (VICIS). Identifiers: Orphanet 1493, MedGen C1855772, MONDO:0009452, OMIM 242840.

Allele frequency attached by ClinVar (database versions not stated): ExAC 0.00002; gnomAD exomes 0.00004 and 0.00007; ESP Exome Variant Server 0.00008; gnomAD 0.00009 and 0.00010; TOPMed 0.00009.

Submissions (3):

Labcorp Genetics (formerly Invitae), Labcorp
Classification: Uncertain significance for Vici syndrome. Last evaluated: 2024-12-18. Review status: criteria provided, single submitter. Criteria: Invitae Variant Classification Sherloc (09022015). Collection method: clinical testing. Allele origin: germline.
Comment: This sequence change replaces glutamic acid, which is acidic and polar, with lysine, which is basic and polar, at codon 2013 of the EPG5 protein (p.Glu2013Lys). This variant is present in population databases (rs374158728, gnomAD 0.009%). This variant has not been reported in the literature in individuals affected with EPG5-related conditions. ClinVar contains an entry for this variant (Variation ID: 451769). Invitae Evidence Modeling of protein sequence and biophysical properties (such as structural, functional, and spatial information, amino acid conservation, physicochemical variation, residue mobility, and thermodynamic stability) indicates that this missense variant is not expected to disrupt EPG5 protein function with a negative predictive value of 80%. In summary, the available evidence is currently insufficient to determine the role of this variant in disease. Therefore, it has been classified as a Variant of Uncertain Significance.

GeneDx
Classification: Uncertain significance. Last evaluated: 2023-10-12. Review status: criteria provided, single submitter. Criteria: GeneDx Variant Classification Process June 2021. Collection method: clinical testing. Allele origin: germline. Affected: yes.
Comment: Not observed at significant frequency in large population cohorts (gnomAD); In silico analysis supports that this missense variant does not alter protein structure/function; Has not been previously published as pathogenic or benign to our knowledge

Ambry Genetics
Classification: Uncertain significance for Inborn genetic diseases. Last evaluated: 2022-01-18. Review status: criteria provided, single submitter. Criteria: Ambry Variant Classification Scheme 2023. Collection method: clinical testing. Allele origin: germline.

NM_020964.3(EPG5):c.6037G>A (p.Glu2013Lys)

Gene: EPG5 (ectopic P-granules 5 autophagy tethering factor; minus strand). Cytogenetic location: 18q12.3.
Variant type: single nucleotide variant.
Coding change: c.6037G>A on transcript NM_020964.3 (MANE Select); coding-DNA position 6037, G replaced by A.
Protein change: p.Glu2013Lys; replaces glutamic acid 2013 with lysine.
Molecular consequence: missense variant.
Genome position (GRCh38, 1-based): chr18:45,876,248, C>T on the plus strand (G>A on the coding strand, the complement: EPG5 is on the minus strand). VCF-style: chr18-45876248-C-T. GRCh37 (hg19) VCF-style: chr18-43456213-C-T.
Other names: c.6037G>A, p.Glu2013Lys (LRG_1234t1); short protein forms E2013K.
Identifiers: ClinVar variation 451769 (VCV000451769.8), dbSNP rs374158728, ClinGen allele CA8948408.
Genomic context (GRCh38, chr18:45,876,248, plus strand): 5'-CTTAGGGAAAAATGAAAACTAAGCAGAGACAGCCTGACATCTTCCTACCTTTAAAACTCT[C>T]ATGCAGTGAGTCAATACAGTCAGTGAACAGCTGCACAATGCTTGAGGCCACCACAGTATC-3'
Protein context (NP_066015.2, residues 2003-2023): LFTDCIDSLH[Glu2013Lys]SFKDKLLPGD